The following is an entry in ClinVar:

NM_001134363.3(RBM20):c.3154G>T (p.Ala1052Ser)

Gene: RBM20 (RNA binding motif protein 20; plus strand). Cytogenetic location: 10q25.2.
Variant type: single nucleotide variant.
Coding change: c.3154G>T on transcript NM_001134363.3 (MANE Select); coding-DNA position 3154, G replaced by T.
Protein change: p.Ala1052Ser; replaces alanine 1052 with serine.
Molecular consequence: missense variant.
Genome position (GRCh38, 1-based): chr10:110,821,773, G>T. VCF-style: chr10-110821773-G-T. GRCh37 (hg19) VCF-style: chr10-112581531-G-T.
Other names: short protein forms A1052S.
Identifiers: ClinVar variation 5028011 (VCV005028011.1).

ClinVar aggregate classification (germline): Uncertain significance (1 of 4 stars; one submission).

Conditions:
Cardiovascular phenotype. Identifiers: MedGen CN230736.

gnomAD v4.1: 1 of 1,551,788 alleles (0.000064%); highest among the groups gnomAD compares: Non-Finnish European, 0.000087%; no homozygotes.

Submission:

Ambry Genetics
Classification: Uncertain significance for Cardiovascular phenotype. Last evaluated: 2026-06-15. Review status: criteria provided, single submitter. Criteria: Ambry Variant Classification Scheme 2023. Collection method: clinical testing. Allele origin: germline.
Comment: The p.A1052S variant (also known as c.3154G>T), located in coding exon 11 of the RBM20 gene, results from a G to T substitution at nucleotide position 3154. The alanine at codon 1052 is replaced by serine, an amino acid with similar properties. This amino acid position is conserved. In addition, this alteration is predicted to be tolerated by in silico analysis. Based on the available evidence, the clinical significance of this variant remains unclear.